The following is an entry in ClinVar:

NM_001009944.3(PKD1):c.6485G>A (p.Arg2162Gln)

Gene: PKD1 (polycystin 1, transient receptor potential channel interacting; minus strand). Cytogenetic location: 16p13.3.
Variant type: single nucleotide variant.
Coding change: c.6485G>A on transcript NM_001009944.3 (MANE Select); coding-DNA position 6485, G replaced by A.
Protein change: p.Arg2162Gln; replaces arginine 2162 with glutamine.
Molecular consequence: missense variant.
Genome position (GRCh38, 1-based): chr16:2,108,682, C>T on the plus strand (G>A on the coding strand, the complement: PKD1 is on the minus strand). VCF-style: chr16-2108682-C-T. GRCh37 (hg19) VCF-style: chr16-2158683-C-T.
Other names: c.6485G>A, p.Arg2162Gln (NM_000296.4); short protein forms R2162Q.
Identifiers: ClinVar variation 3579363 (VCV003579363.2).
Genomic context (GRCh38, chr16:2,108,682, plus strand): 5'-TGGTAGGTGACGCAGTCGCGCAGGTCAACGTGGGCCTCCAAGTAGTTGCGCTGTGATCGC[C>T]GCATCAGCACCTGCAGGGGCAGGACCACGTCCACCTCCGGCTCCCGGCAGGCCAGCACCT-3'
Protein context (NP_001009944.3, residues 2152-2172): DVVLPLQVLM[Arg2162Gln]RSQRNYLEAH

ClinVar aggregate classification (germline): Conflicting classifications of pathogenicity. Review status: criteria provided, conflicting classifications (1 of 4 stars). 2 submissions from 2 submitters: Uncertain significance (1); Likely benign (1). Last evaluated 2025-09-30.

Conditions:
Polycystic kidney disease, adult type (PKD1). Also called: Polycystic Kidney Disease 1, Autosomal Dominant; Polycystic kidney disease 1; Polycystic kidney disease 1, severe; POLYCYSTIC KIDNEY DISEASE 1 WITH OR WITHOUT POLYCYSTIC LIVER DISEASE; POLYCYSTIC KIDNEY DISEASE, ADULT, TYPE I; Polycystic Kidney, Autosomal Dominant. Identifiers: MedGen C3149841, MONDO:0008263, OMIM 173900.

gnomAD v4.1: 107 of 1,568,148 alleles (0.0068%); highest among the groups gnomAD compares: South Asian, 0.02%; no homozygotes.

Submissions (2):

Women's Health and Genetics/Laboratory Corporation of America, LabCorp
Classification: Uncertain significance. Last evaluated: 2025-09-30. Review status: criteria provided, single submitter. Criteria: LabCorp Variant Classification Summary - May 2015. Collection method: clinical testing. Allele origin: germline.
Comment: Variant summary: PKD1 c.6485G>A (p.Arg2162Gln) results in a conservative amino acid change in the encoded protein sequence. Algorithms developed to predict the effect of missense changes on protein structure and function are either unavailable or do not agree on the potential impact of this missense change. The variant allele was found at a frequency of 7.2e-05 in 181164 control chromosomes. This frequency is not significantly higher than estimated for disease-causing variants in PKD1, allowing no conclusion about variant significance. To our knowledge, no occurrence of c.6485G>A in individuals affected with PKD1-related conditions and no experimental evidence demonstrating its impact on protein function have been reported. ClinVar contains an entry for this variant (Variation ID: 3579363). Based on the evidence outlined above, the variant was classified as uncertain significance.

Fulgent Genetics
Classification: Likely benign for Polycystic kidney disease, adult type. Last evaluated: 2024-04-10. Review status: criteria provided, single submitter. Criteria: ACMG Guidelines, 2015. Collection method: clinical testing. Allele origin: germline.